The following is an entry in ClinVar:

ClinVar aggregate classification (germline): Uncertain significance (1 of 4 stars; one submission).

Allele frequency attached by ClinVar (database versions not stated): TOPMed below 0.00001; gnomAD 0.00001; gnomAD exomes 0.00001.
gnomAD v4.1: 6 of 1,608,938 alleles (0.00037%); highest among the groups gnomAD compares: Non-Finnish European, 0.00051%; no homozygotes.

Submission:

Labcorp Genetics (formerly Invitae), Labcorp
Classification: Uncertain significance. Last evaluated: 2022-06-27. Review status: criteria provided, single submitter. Criteria: Invitae Variant Classification Sherloc (09022015). Collection method: clinical testing. Allele origin: germline.
Comment: This variant is not present in population databases (gnomAD no frequency). In summary, the available evidence is currently insufficient to determine the role of this variant in disease. Therefore, it has been classified as a Variant of Uncertain Significance. Algorithms developed to predict the effect of missense changes on protein structure and function (SIFT, PolyPhen-2, Align-GVGD) all suggest that this variant is likely to be tolerated. This variant has not been reported in the literature in individuals affected with DYNC1I1-related conditions. This sequence change replaces proline, which is neutral and non-polar, with leucine, which is neutral and non-polar, at codon 119 of the DYNC1I1 protein (p.Pro119Leu).

NM_001135556.2(DYNC1I1):c.305C>T (p.Pro102Leu)

Gene: DYNC1I1 (dynein cytoplasmic 1 intermediate chain 1; plus strand). Cytogenetic location: 7q21.3.
Variant type: single nucleotide variant.
Coding change: c.305C>T on transcript NM_001135556.2 (MANE Select); coding-DNA position 305, C replaced by T.
Protein change: p.Pro102Leu; replaces proline 102 with leucine.
Molecular consequence: missense variant.
Genome position (GRCh38, 1-based): chr7:95,813,328, C>T. VCF-style: chr7-95813328-C-T. GRCh37 (hg19) VCF-style: chr7-95442640-C-T.
Other names: c.305C>T, p.Pro102Leu (NM_001135557.2, NM_001278422.2); c.356C>T, p.Pro119Leu (NM_001278421.2, NM_004411.5); short protein forms P119L, P102L.
Identifiers: ClinVar variation 1496433 (VCV001496433.8), dbSNP rs1794872908, ClinGen allele CA368402984.